The following is an entry in ClinVar:

NM_000812.4(GABRB1):c.208G>T (p.Ala70Ser)

Gene: GABRB1 (gamma-aminobutyric acid type A receptor subunit beta1; plus strand). Cytogenetic location: 4p12.
Variant type: single nucleotide variant.
Coding change: c.208G>T on transcript NM_000812.4 (MANE Select); coding-DNA position 208, G replaced by T.
Protein change: p.Ala70Ser; replaces alanine 70 with serine.
Molecular consequence: missense variant.
Genome position (GRCh38, 1-based): chr4:47,032,452, G>T. VCF-style: chr4-47032452-G-T. GRCh37 (hg19) VCF-style: chr4-47034469-G-T.
Other names: c.208G>T (NM_000812.3); short protein forms A70S.
Identifiers: ClinVar variation 1353367 (VCV001353367.9), dbSNP rs778745562, ClinGen allele CA2907477.

ClinVar aggregate classification (germline): Uncertain significance. Review status: criteria provided, multiple submitters, no conflicts (2 of 4 stars). 2 submissions from 2 submitters: Uncertain significance (2). Last evaluated 2025-04-03.

Allele frequency attached by ClinVar (database versions not stated): gnomAD exomes below 0.00001; ExAC 0.00001.
gnomAD v4.1: 2 of 1,607,112 alleles (0.00012%); highest among the groups gnomAD compares: South Asian, 0.0022%; no homozygotes.

Submissions (2):

Ambry Genetics
Classification: Uncertain significance. Last evaluated: 2025-04-03. Review status: criteria provided, single submitter. Criteria: Ambry Variant Classification Scheme 2023. Collection method: clinical testing. Allele origin: germline.

Labcorp Genetics (formerly Invitae), Labcorp
Classification: Uncertain significance. Last evaluated: 2024-04-24. Review status: criteria provided, single submitter. Criteria: Invitae Variant Classification Sherloc (09022015). Collection method: clinical testing. Allele origin: germline.
Comment: This sequence change replaces alanine, which is neutral and non-polar, with serine, which is neutral and polar, at codon 70 of the GABRB1 protein (p.Ala70Ser). This variant is present in population databases (rs778745562, gnomAD 0.003%). This variant has not been reported in the literature in individuals affected with GABRB1-related conditions. ClinVar contains an entry for this variant (Variation ID: 1353367). Advanced modeling of protein sequence and biophysical properties (such as structural, functional, and spatial information, amino acid conservation, physicochemical variation, residue mobility, and thermodynamic stability) performed at Invitae indicates that this missense variant is not expected to disrupt GABRB1 protein function with a negative predictive value of 80%. In summary, the available evidence is currently insufficient to determine the role of this variant in disease. Therefore, it has been classified as a Variant of Uncertain Significance.